The following is an entry in ClinVar:

NM_003482.4(KMT2D):c.15641G>A (p.Arg5214His)

Gene: KMT2D (lysine methyltransferase 2D; minus strand). Cytogenetic location: 12q13.12.
Variant type: single nucleotide variant.
Coding change: c.15641G>A on transcript NM_003482.4 (MANE Select); coding-DNA position 15641, G replaced by A.
Protein change: p.Arg5214His; replaces arginine 5214 with histidine.
Molecular consequence: missense variant.
Genome position (GRCh38, 1-based): chr12:49,026,325, C>T on the plus strand (G>A on the coding strand, the complement: KMT2D is on the minus strand). VCF-style: chr12-49026325-C-T. GRCh37 (hg19) VCF-style: chr12-49420108-C-T.
Other names: short protein forms R5214H.
Identifiers: ClinVar variation 94185 (VCV000094185.18), dbSNP rs398123729, ClinGen allele CA222037.

ClinVar aggregate classification (germline): Pathogenic/Likely pathogenic. Review status: criteria provided, multiple submitters, no conflicts (2 of 4 stars). 4 submissions from 4 submitters: Pathogenic (2); Likely pathogenic (2). Last evaluated 2024-03-01.
ClinVar aggregate classification (somatic clinical impact): Tier I - Strong (1 of 4 stars; one submission).

Conditions:
Kabuki syndrome. Also called: NIIKAWA-KUROKI SYNDROME; Kabuki make-up syndrome. Identifiers: Orphanet 2322, MedGen C0796004, MONDO:0016512.
Kabuki syndrome 1 (KABUK1). Also called: KMT2D-Related Kabuki Syndrome. Identifiers: Orphanet 2322, MedGen CN030661, MONDO:0007843, OMIM 147920.
Medulloblastoma WNT activated. Identifiers: MedGen C4331965, MONDO:0850196.

Submissions (5):

Labcorp Genetics (formerly Invitae), Labcorp
Classification: Pathogenic for Kabuki syndrome. Last evaluated: 2024-03-01. Review status: criteria provided, single submitter. Criteria: Invitae Variant Classification Sherloc (09022015). Collection method: clinical testing. Allele origin: germline.
Comment: This sequence change replaces arginine, which is basic and polar, with histidine, which is basic and polar, at codon 5214 of the KMT2D protein (p.Arg5214His). This variant is not present in population databases (gnomAD no frequency). This missense change has been observed in individual(s) with Kabuki syndrome (PMID: 20711175, 30107592, 30950893). In at least one individual the variant was observed to be de novo. ClinVar contains an entry for this variant (Variation ID: 94185). Advanced modeling of protein sequence and biophysical properties (such as structural, functional, and spatial information, amino acid conservation, physicochemical variation, residue mobility, and thermodynamic stability) performed at Invitae indicates that this missense variant is expected to disrupt KMT2D protein function with a positive predictive value of 95%. For these reasons, this variant has been classified as Pathogenic.

Institute for Genomic Medicine (IGM) Clinical Laboratory, Nationwide Children's Hospital
Classification: Tier I - Strong for Medulloblastoma WNT activated. Assertion type: diagnostic. Clinical significance: supports diagnosis. Last evaluated: 2023-10-19. Review status: criteria provided, single submitter. Criteria: AMP/ASCO/CAP Guidelines, 2017. Collection method: clinical testing. Allele origin: somatic. Affected: yes.
Comment: Variant has Tier I (strong) clinical significance as a diagnostic inclusion criterion in medulloblastoma WNT activated, based on the following evidence: 1) Documented in one or more cancer databases (e.g., St. Jude Pecan, COSMIC, CIViC, OncoKB). 2) Appears in one or more well-established professional guidelines (e.g., World Health Organization [WHO]; National Comprehensive Cancer Network [NCCN]) as providing diagnostic, prognostic, or therapeutic information. 3) Diagnostic for a specific tumor type/classification based on well-powered studies with expert-level consensus (Evidence Level B; PMIDs: 28726821, 33172502, 21163964).

GeneDx
Classification: Likely pathogenic. Last evaluated: 2022-05-09. Review status: criteria provided, single submitter. Criteria: GeneDx Variant Classification Process June 2021. Collection method: clinical testing. Allele origin: germline. Affected: yes.
Comment: Not observed at significant frequency in large population cohorts (gnomAD); A different missense change at this residue (R5214C) has been reported in the published literature (Landrum et al., 2016); In silico analysis supports that this missense variant has a deleterious effect on protein structure/function; Truncating variants in this gene are considered pathogenic by a well-established clinical consortium and/or database; This variant is associated with the following publications: (PMID: 30950893, 21671394, 20711175, 30459467, Pan_2021)

Equipe Genetique des Anomalies du Developpement, Université de Bourgogne
Classification: Pathogenic for Kabuki syndrome 1. Last evaluated: 2016-01-01. Review status: criteria provided, single submitter. Criteria: ACMG Guidelines, 2015. Collection method: clinical testing. Allele origin: de novo. Affected: yes.

Eurofins Ntd Llc (ga)
Classification: Likely pathogenic. Last evaluated: 2012-10-22. Review status: criteria provided, single submitter. Criteria: EGL Classification Definitions. Collection method: clinical testing. Allele origin: germline. Observed: 1 variant allele, 1 heterozygote.

Literature cited by the submitters: PubMed 20711175 (cited by Labcorp Genetics (formerly Invitae), Labcorp); PubMed 30107592 (cited by Labcorp Genetics (formerly Invitae), Labcorp); PubMed 30950893 (cited by Labcorp Genetics (formerly Invitae), Labcorp); PubMed 28726821 (cited by Institute for Genomic Medicine (IGM) Clinical Laboratory, Nationwide Children's Hospital); PubMed 33172502 (cited by Institute for Genomic Medicine (IGM) Clinical Laboratory, Nationwide Children's Hospital); PubMed 21163964 (cited by Institute for Genomic Medicine (IGM) Clinical Laboratory, Nationwide Children's Hospital).